The following is an entry in ClinVar:

ClinVar aggregate classification (germline): Uncertain significance (1 of 4 stars; one submission).

Conditions:
Cardiovascular phenotype. Identifiers: MedGen CN230736.

gnomAD v4.1: 2 of 1,614,034 alleles (0.00012%); highest among the groups gnomAD compares: Non-Finnish European, 0.00017%; no homozygotes.

Submission:

Ambry Genetics
Classification: Uncertain significance for Cardiovascular phenotype. Last evaluated: 2025-02-13. Review status: criteria provided, single submitter. Criteria: Ambry Variant Classification Scheme 2023. Collection method: clinical testing. Allele origin: germline.
Comment: The p.F492Y variant (also known as c.1475T>A), located in coding exon 10 of the SOS2 gene, results from a T to A substitution at nucleotide position 1475. The phenylalanine at codon 492 is replaced by tyrosine, an amino acid with highly similar properties. This amino acid position is conserved. In addition, the in silico prediction for this alteration is inconclusive. Based on the available evidence, the clinical significance of this variant remains unclear.

NM_006939.4(SOS2):c.1475T>A (p.Phe492Tyr)

Gene: SOS2 (SOS Ras/Rho guanine nucleotide exchange factor 2; minus strand). Cytogenetic location: 14q21.3.
Variant type: single nucleotide variant.
Coding change: c.1475T>A on transcript NM_006939.4 (MANE Select); coding-DNA position 1475, T replaced by A.
Protein change: p.Phe492Tyr; replaces phenylalanine 492 with tyrosine.
Molecular consequence: missense variant.
Genome position (GRCh38, 1-based): chr14:50,159,808, A>T on the plus strand (T>A on the coding strand, the complement: SOS2 is on the minus strand). VCF-style: chr14-50159808-A-T. GRCh37 (hg19) VCF-style: chr14-50626526-A-T.
Other names: c.1376T>A, p.Phe459Tyr (NM_001411020.1); short protein forms F459Y, F492Y.
Identifiers: ClinVar variation 3799926 (VCV003799926.1).
Genomic context (GRCh38, chr14:50,159,808, plus strand): 5'-AATGCATGCTTGTGCTCACAAGTATCTTCTTTATCACAAATTTGTATTTTCCTCATGACA[A>T]ATTTTTCTTTTAACCTGTATTCTGCACTACTGTAACCTGGAAGCCGAGTCTGGCCATGAT-3'
Protein context (NP_008870.2, residues 482-502): SSAEYRLKEK[Phe492Tyr]VMRKIQICDK